The following is an entry in ClinVar:

NM_206933.4(USH2A):c.8801G>C (p.Ser2934Thr)

Gene: USH2A (usherin; minus strand). Cytogenetic location: 1q41.
Variant type: single nucleotide variant.
Coding change: c.8801G>C on transcript NM_206933.4 (MANE Select); coding-DNA position 8801, G replaced by C.
Protein change: p.Ser2934Thr; replaces serine 2934 with threonine.
Molecular consequence: missense variant.
Genome position (GRCh38, 1-based): chr1:215,867,051, C>G on the plus strand (G>C on the coding strand, the complement: USH2A is on the minus strand). VCF-style: chr1-215867051-C-G. GRCh37 (hg19) VCF-style: chr1-216040393-C-G.
Other names: short protein forms S2934T.
Identifiers: ClinVar variation 930061 (VCV000930061.4), dbSNP rs1664489826, ClinGen allele CA344851155.

ClinVar aggregate classification (germline): Likely benign (1 of 4 stars; one submission).

Submission:

Laboratory for Molecular Medicine, Mass General Brigham Personalized Medicine
Classification: Likely benign. Last evaluated: 2020-03-11. Review status: criteria provided, single submitter. Criteria: LMM Criteria. Collection method: clinical testing. Allele origin: germline. Observed: 1 variant allele.
Comment: The p.Ser2934Thr variant in USH2A is classified as likely benign due to a lack of conservation across species. Over 10 mammals carry a threonine (Thr) at this position despite high nearby amino acid conservation. ACMG/AMP Criteria applied: BP4_Strong.